The following is an entry in ClinVar:

NM_000043.6(FAS):c.356del (p.Cys119fs)

Gene: FAS (Fas cell surface death receptor; plus strand). Cytogenetic location: 10q23.31.
Variant type: Deletion.
Coding change: c.356del on transcript NM_000043.6 (MANE Select); coding-DNA position 356, one base deleted (G; older notation c.356delG).
Protein change: p.Cys119fs; shifts the reading frame from cysteine 119.
Molecular consequence: frameshift variant. On other transcripts: non-coding transcript variant (1).
Genome position (GRCh38, 1-based): chr10:89,008,910, G deleted. VCF-style (leftmost placement, unchanged base first): chr10-89008909-TG-T. GRCh37 (hg19) VCF-style: chr10-90768666-TG-T.
Other names: c.356del, p.Cys119fs (NM_001320619.2, NM_152871.4, NM_152872.4); c.401delG, p.Cys134Serfs (NM_001410956.1); short protein forms C119fs.
Identifiers: ClinVar variation 2000972 (VCV002000972.4), dbSNP rs2495122596, ClinGen allele CA2580082312.

ClinVar aggregate classification (germline): Pathogenic (1 of 4 stars; one submission).

Conditions:
Autoimmune lymphoproliferative syndrome type 1. Also called: AUTOIMMUNE LYMPHOPROLIFERATIVE SYNDROME, TYPE I, AUTOSOMAL DOMINANT. Identifiers: Orphanet 3261, MedGen C2717884, MONDO:0011158, OMIM 601859.

Submission:

Labcorp Genetics (formerly Invitae), Labcorp
Classification: Pathogenic for Autoimmune lymphoproliferative syndrome. Last evaluated: 2022-05-30. Review status: criteria provided, single submitter. Criteria: Invitae Variant Classification Sherloc (09022015). Collection method: clinical testing. Allele origin: germline.
Comment: This sequence change creates a premature translational stop signal (p.Cys119Serfs*68) in the FAS gene. It is expected to result in an absent or disrupted protein product. Loss-of-function variants in FAS are known to be pathogenic (PMID: 10875918, 22237435). This variant is not present in population databases (gnomAD no frequency). This variant has not been reported in the literature in individuals affected with FAS-related conditions. For these reasons, this variant has been classified as Pathogenic.

Literature cited by the submitters: PubMed 10875918; PubMed 22237435.